The following is an entry in ClinVar:

NM_003283.6(TNNT1):c.592A>G (p.Met198Val)

Gene: TNNT1 (troponin T1, slow skeletal type; minus strand). Cytogenetic location: 19q13.42.
Variant type: single nucleotide variant.
Coding change: c.592A>G on transcript NM_003283.6 (MANE Select); coding-DNA position 592, A replaced by G.
Protein change: p.Met198Val; replaces methionine 198 with valine.
Molecular consequence: missense variant.
Genome position (GRCh38, 1-based): chr19:55,137,122, T>C on the plus strand (A>G on the coding strand, the complement: TNNT1 is on the minus strand). VCF-style: chr19-55137122-T-C. GRCh37 (hg19) VCF-style: chr19-55648490-T-C.
Other names: c.592A>G, p.Met198Val (NM_001126132.3); c.559A>G, p.Met187Val (NM_001126133.3, NM_001291774.2); short protein forms M198V, M187V.
Identifiers: ClinVar variation 1413332 (VCV001413332.6), dbSNP rs757782018, ClinGen allele CA9667364.

ClinVar aggregate classification (germline): Uncertain significance (1 of 4 stars; one submission).

Conditions:
Nemaline myopathy 5 (NEM5A). Also called: Nemaline myopathy 5, Amish type; NEMALINE MYOPATHY, AMISH TYPE; NEMALINE MYOPATHY 5A, AUTOSOMAL RECESSIVE, SEVERE INFANTILE. Identifiers: Orphanet 98902, MedGen C1854380, MONDO:0011539, OMIM 605355.

Allele frequency attached by ClinVar (database versions not stated): gnomAD 0.00001; gnomAD exomes 0.00002; ExAC 0.00004.

Submission:

Labcorp Genetics (formerly Invitae), Labcorp
Classification: Uncertain significance for Nemaline myopathy 5. Last evaluated: 2024-02-17. Review status: criteria provided, single submitter. Criteria: Invitae Variant Classification Sherloc (09022015). Collection method: clinical testing. Allele origin: germline.
Comment: This sequence change replaces methionine, which is neutral and non-polar, with valine, which is neutral and non-polar, at codon 198 of the TNNT1 protein (p.Met198Val). This variant is present in population databases (rs757782018, gnomAD 0.02%). This variant has not been reported in the literature in individuals affected with TNNT1-related conditions. ClinVar contains an entry for this variant (Variation ID: 1413332). Advanced modeling of protein sequence and biophysical properties (such as structural, functional, and spatial information, amino acid conservation, physicochemical variation, residue mobility, and thermodynamic stability) performed at Invitae indicates that this missense variant is not expected to disrupt TNNT1 protein function with a negative predictive value of 80%. In summary, the available evidence is currently insufficient to determine the role of this variant in disease. Therefore, it has been classified as a Variant of Uncertain Significance.